The following is an entry in ClinVar:

ClinVar aggregate classification (germline): Pathogenic. Review status: criteria provided, single submitter (1 of 4 stars). 2 submissions from 2 submitters: Pathogenic (1). 1 of the submissions does not count toward it. Last evaluated 2015-12-23.

Conditions:
Rothmund-Thomson syndrome type 3. Also called: Short stature with microcephaly and distinctive facies. Identifiers: MedGen C4014339, MONDO:0014347, OMIM 615789.

Submissions (2):

Baylor Genetics
Classification: Pathogenic for Rothmund-Thomson syndrome type 3. Last evaluated: 2015-12-23. Review status: criteria provided, single submitter. Criteria: Submitter's publication. Collection method: clinical testing. Allele origin: paternal. Inheritance: Autosomal recessive inheritance. Affected: yes. Observed: 1 variant allele, 1 compound heterozygote. Study: Clinical whole exome sequencing.

OMIM
Classification: Pathogenic for ROTHMUND-THOMSON SYNDROME, TYPE 3. Last evaluated: 2024-04-29. Review status: no assertion criteria provided. Collection method: literature only. Allele origin: germline. Not counted in ClinVar's aggregate classification.

Literature cited by the submitters: PubMed 27250922 (cited by OMIM).

NM_014171.5(CRIPT):c.-422_17-582del

Genes: CRIPT (CXXC repeat containing interactor of PDZ3 domain; plus strand), PIGF (phosphatidylinositol glycan anchor biosynthesis class F; minus strand). Cytogenetic location: 2p21.
Variant type: Deletion.
Coding change: c.-422_17-582del on transcript NM_014171.5; 422 bases upstream of the start codon through 582 bases into the intron before coding-DNA position 17, 1,331 bases deleted.
Genome position (GRCh38, 1-based): chr2:46,616,861-46,618,191, 1,331 bases deleted. GRCh37 (hg19): chr2:46,844,000-46,845,330.
Other names: EX1DEL.
Identifiers: ClinVar variation 221619 (VCV000221619.5), ClinGen allele CA10575848.